The following is an entry in ClinVar:

NM_001384732.1(CPLANE1):c.9667C>G (p.Leu3223Val)

Gene: CPLANE1 (ciliogenesis and planar polarity effector complex subunit 1; minus strand). Cytogenetic location: 5p13.2.
Variant type: single nucleotide variant.
Coding change: c.9667C>G on transcript NM_001384732.1 (MANE Select); coding-DNA position 9667, C replaced by G.
Protein change: p.Leu3223Val; replaces leucine 3223 with valine.
Molecular consequence: missense variant.
Genome position (GRCh38, 1-based): chr5:37,107,691, G>C on the plus strand (C>G on the coding strand, the complement: CPLANE1 is on the minus strand). VCF-style: chr5-37107691-G-C. GRCh37 (hg19) VCF-style: chr5-37107793-G-C.
Other names: c.9505C>G, p.Leu3169Val (NM_023073.4); short protein forms L3169V, L3223V.
Identifiers: ClinVar variation 4801419 (VCV004801419.1).

ClinVar aggregate classification (germline): Uncertain significance (1 of 4 stars; one submission).

Submission:

Labcorp Genetics (formerly Invitae), Labcorp
Classification: Uncertain significance. Last evaluated: 2025-10-02. Review status: criteria provided, single submitter. Criteria: Invitae Variant Classification Sherloc (09022015). Collection method: clinical testing. Allele origin: germline.
Comment: This sequence change replaces leucine, which is neutral and non-polar, with valine, which is neutral and non-polar, at codon 3169 of the CPLANE1 protein (p.Leu3169Val). This variant is not present in population databases (gnomAD no frequency). This variant has not been reported in the literature in individuals affected with CPLANE1-related conditions. Invitae Evidence Modeling of protein sequence and biophysical properties (such as structural, functional, and spatial information, amino acid conservation, physicochemical variation, residue mobility, and thermodynamic stability) indicates that this missense variant is not expected to disrupt CPLANE1 protein function with a negative predictive value of 95%. In summary, the available evidence is currently insufficient to determine the role of this variant in disease. Therefore, it has been classified as a Variant of Uncertain Significance.